The following is an entry in ClinVar:

ClinVar aggregate classification (germline): Likely pathogenic (1 of 4 stars; one submission).

Conditions:
Polyglandular autoimmune syndrome, type 1 (APS1). Also called: Autoimmune polyendocrinopathy syndrome , type I, with or without reversible metaphyseal dysplasia; AUTOIMMUNE POLYENDOCRINE SYNDROME, TYPE I, WITH OR WITHOUT REVERSIBLE METAPHYSEAL DYSPLASIA; APS I; HYPOADRENOCORTICISM WITH HYPOPARATHYROIDISM AND SUPERFICIAL MONILIASIS; PGA I; Autoimmune polyendocrine syndrome type 1. Identifiers: Orphanet 3453, MedGen C0085859, MONDO:0009411, OMIM 240300.

Submission:

Labcorp Genetics (formerly Invitae), Labcorp
Classification: Likely pathogenic for Polyglandular autoimmune syndrome, type 1. Last evaluated: 2025-12-14. Review status: criteria provided, single submitter. Criteria: Invitae Variant Classification Sherloc (09022015). Collection method: clinical testing. Allele origin: germline.
Comment: This sequence change affects an acceptor splice site in intron 1 of the AIRE gene. It is expected to disrupt RNA splicing. Variants that disrupt the donor or acceptor splice site typically lead to a loss of protein function (PMID: 16199547), and loss-of-function variants in AIRE are known to be pathogenic (PMID: 11524731, 26141571). This variant is not present in population databases (gnomAD no frequency). This variant has not been reported in the literature in individuals affected with AIRE-related conditions. Algorithms developed to predict the effect of sequence changes on RNA splicing suggest that this variant may disrupt the consensus splice site. In summary, the currently available evidence indicates that the variant is pathogenic, but additional data are needed to prove that conclusively. Therefore, this variant has been classified as Likely Pathogenic.

Literature cited by the submitters: PubMed 16199547; PubMed 11524731; PubMed 26141571.

NM_000383.4(AIRE):c.133-2A>G

Gene: AIRE (autoimmune regulator; plus strand). Cytogenetic location: 21q22.3.
Variant type: single nucleotide variant.
Coding change: c.133-2A>G on transcript NM_000383.4 (MANE Select); the canonical splice acceptor site of the intron before coding-DNA position 133, A replaced by G.
Molecular consequence: splice acceptor variant.
Genome position (GRCh38, 1-based): chr21:44,286,555, A>G. VCF-style: chr21-44286555-A-G. GRCh37 (hg19) VCF-style: chr21-45706438-A-G.
Identifiers: ClinVar variation 4732744 (VCV004732744.1).